The following is an entry in ClinVar:

ClinVar aggregate classification (germline): Likely pathogenic (1 of 4 stars; one submission).

Conditions:
Glycogen storage disease type III (GSD3). Also called: Cori disease; FORBES DISEASE. Identifiers: Orphanet 366, MedGen C0017922, MONDO:0009291, OMIM 232400.

Submission:

Myriad Genetics, Inc.
Classification: Likely pathogenic for Glycogen storage disease type III. Last evaluated: 2019-12-22. Review status: criteria provided, single submitter. Criteria: Myriad Women's Health Autosomal Recessive and X-Linked Classification Criteria (2019). Collection method: clinical testing. Allele origin: unknown.
Comment: NM_000642.2(AGL):c.3895G>T(E1299*) is expected to be pathogenic in the context of glycogen storage disease type III. This variant is predicted to lead to an abnormal or absent protein product due to the creation of a premature termination codon in AGL, a gene where loss-of-function variants are known to be pathogenic. Please note: this variant was assessed in the context of healthy population screening.

NM_000642.3(AGL):c.3895G>T (p.Glu1299Ter)

Gene: AGL (amylo-alpha-1,6-glucosidase and 4-alpha-glucanotransferase; plus strand). Cytogenetic location: 1p21.2.
Variant type: single nucleotide variant.
Coding change: c.3895G>T on transcript NM_000642.3 (MANE Select); coding-DNA position 3895, G replaced by T.
Protein change: p.Glu1299Ter; replaces glutamic acid 1299 with a stop codon.
Molecular consequence: nonsense.
Genome position (GRCh38, 1-based): chr1:99,912,463, G>T. VCF-style: chr1-99912463-G-T. GRCh37 (hg19) VCF-style: chr1-100378019-G-T.
Other names: c.3895G>T, p.Glu1299Ter (NM_000028.3, NM_000643.3, NM_000644.3 and 1 more transcripts); c.3847G>T, p.Glu1283Ter (NM_000646.3); c.3874G>T, p.Glu1292Ter (NM_001425326.1); c.3694G>T, p.Glu1232Ter (NM_001425327.1); c.3691G>T, p.Glu1231Ter (NM_001425328.1); c.3556G>T, p.Glu1186Ter (NM_001425329.1); c.3517G>T, p.Glu1173Ter (NM_001425332.1); short protein forms E1283*, E1299*, E1173*, E1186*, E1231*, E1232*, E1292*.
Identifiers: ClinVar variation 984284 (VCV000984284.3), dbSNP rs1654817532, ClinGen allele CA341338867.